The following is an entry in ClinVar:

NM_000152.5(GAA):c.979G>A (p.Ala327Thr)

Gene: GAA (alpha glucosidase; plus strand). Cytogenetic location: 17q25.3.
Variant type: single nucleotide variant.
Coding change: c.979G>A on transcript NM_000152.5 (MANE Select); coding-DNA position 979, G replaced by A.
Protein change: p.Ala327Thr; replaces alanine 327 with threonine.
Molecular consequence: missense variant.
Genome position (GRCh38, 1-based): chr17:80,108,313, G>A. VCF-style: chr17-80108313-G-A. GRCh37 (hg19) VCF-style: chr17-78082112-G-A.
Other names: c.979G>A, p.Ala327Thr (NM_001079803.3, NM_001079804.3); short protein forms A327T.
Identifiers: ClinVar variation 968386 (VCV000968386.8), dbSNP rs756562462, ClinGen allele CA8815122.

ClinVar aggregate classification (germline): Uncertain significance. Review status: criteria provided, single submitter (1 of 4 stars). 2 submissions from 2 submitters: Uncertain significance (1). 1 of the submissions does not count toward it. Last evaluated 2026-01-27.

Conditions:
Glycogen storage disease, type II (IOPD). Also called: GSD II; POMPE DISEASE, INFANTILE-ONSET; GLYCOGEN STORAGE DISEASE II, INFANTILE-ONSET; ACID ALPHA-GLUCOSIDASE DEFICIENCY, INFANTILE-ONSET; GAA DEFICIENCY, INFANTILE-ONSET; ACID MALTASE DEFICIENCY, INFANTILE-ONSET. Identifiers: Orphanet 365, MedGen C0017921, MONDO:0009290, OMIM 232300.

Allele frequency attached by ClinVar (database versions not stated): ExAC 0.00001; gnomAD exomes 0.00001; TOPMed 0.00001; gnomAD 0.00002.
gnomAD v4.1: 12 of 1,613,506 alleles (0.00074%); highest among the groups gnomAD compares: African/African-American, 0.0027%; no homozygotes.

Submissions (2):

Labcorp Genetics (formerly Invitae), Labcorp
Classification: Uncertain significance for Glycogen storage disease, type II. Last evaluated: 2026-01-27. Review status: criteria provided, single submitter. Criteria: Invitae Variant Classification Sherloc (09022015). Collection method: clinical testing. Allele origin: germline.
Comment: This sequence change replaces alanine, which is neutral and non-polar, with threonine, which is neutral and polar, at codon 327 of the GAA protein (p.Ala327Thr). This variant is present in population databases (rs756562462, gnomAD 0.008%). This variant has not been reported in the literature in individuals affected with GAA-related conditions. ClinVar contains an entry for this variant (Variation ID: 968386). Invitae Evidence Modeling of protein sequence and biophysical properties (such as structural, functional, and spatial information, amino acid conservation, physicochemical variation, residue mobility, and thermodynamic stability) indicates that this missense variant is expected to disrupt GAA protein function with a positive predictive value of 95%. In summary, the available evidence is currently insufficient to determine the role of this variant in disease. Therefore, it has been classified as a Variant of Uncertain Significance.

Natera, Inc.
Classification: Uncertain significance for Glycogen storage disease type II. Last evaluated: 2020-02-13. Review status: no assertion criteria provided. Collection method: clinical testing. Allele origin: germline. Not counted in ClinVar's aggregate classification.